The following is an entry in ClinVar:

ClinVar aggregate classification (germline): Uncertain significance (1 of 4 stars; one submission).

gnomAD v4.1: 22 of 1,613,866 alleles (0.0014%); highest among the groups gnomAD compares: East Asian, 0.02%; no homozygotes.

Submission:

Labcorp Genetics (formerly Invitae), Labcorp
Classification: Uncertain significance. Last evaluated: 2023-03-07. Review status: criteria provided, single submitter. Criteria: Invitae Variant Classification Sherloc (09022015). Collection method: clinical testing. Allele origin: germline.
Comment: Experimental studies and prediction algorithms are not available or were not evaluated, and the functional significance of this variant is currently unknown. This sequence change creates a premature translational stop signal (p.Arg62*) in the TUBB1 gene. It is expected to result in an absent or disrupted protein product. However, the current clinical and genetic evidence is not sufficient to establish whether loss-of-function variants in TUBB1 cause disease. This variant is present in population databases (rs35989782, gnomAD 0.05%), and has an allele count higher than expected for a pathogenic variant. This premature translational stop signal has been observed in individual(s) with clinical features of TUBB1-related conditions (PMID: 26743950). ClinVar contains an entry for this variant (Variation ID: 2138365). In summary, the available evidence is currently insufficient to determine the role of this variant in disease. Therefore, it has been classified as a Variant of Uncertain Significance.

Literature cited by the submitters: PubMed 26743950.

NM_030773.4(TUBB1):c.184C>T (p.Arg62Ter)

Gene: TUBB1 (tubulin beta 1 class VI; plus strand). Cytogenetic location: 20q13.32.
Variant type: single nucleotide variant.
Coding change: c.184C>T on transcript NM_030773.4 (MANE Select); coding-DNA position 184, C replaced by T.
Protein change: p.Arg62Ter; replaces arginine 62 with a stop codon.
Molecular consequence: nonsense.
Genome position (GRCh38, 1-based): chr20:59,023,507, C>T. VCF-style: chr20-59023507-C-T. GRCh37 (hg19) VCF-style: chr20-57598562-C-T.
Other names: short protein forms R62*.
Identifiers: ClinVar variation 2138365 (VCV002138365.4), dbSNP rs35989782, ClinGen allele CA9928413.